The following is an entry in ClinVar:

NM_000518.5(HBB):c.-78A>C

Genes: HBB (hemoglobin subunit beta; minus strand), LOC106099062 (HBB recombination region; plus strand), LOC107133510 (origin of replication at HBB; plus strand). Cytogenetic location: 11p15.4.
Variant type: single nucleotide variant.
Coding change: c.-78A>C on transcript NM_000518.5 (MANE Select); 78 bases upstream of the start codon, A replaced by C.
Genome position (GRCh38, 1-based): chr11:5,227,099, T>G on the plus strand (A>C on the coding strand, the complement: HBB is on the minus strand). VCF-style: chr11-5227099-T-G. GRCh37 (hg19) VCF-style: chr11-5248329-T-G.
Other names: -28 (A>C); -28A-C, PROMOTER.
Identifiers: ClinVar variation 15470 (VCV000015470.124), dbSNP rs33931746, ClinGen allele CA125328.

ClinVar aggregate classification (germline): Pathogenic. Review status: reviewed by expert panel (3 of 4 stars). 12 submissions from 12 submitters: Pathogenic (1). 11 of the submissions do not count toward it. Last evaluated 2026-04-07.

Conditions:
Hb SS disease (SCD). Also called: Hemoglobin SS; Sickle cell anemia; Sickle cell disease; HbS disease; Hemoglobin S Disease; Sickling disorder due to hemoglobin S. Identifiers: Orphanet 232, Orphanet 275752, MedGen C0002895, MONDO:0011382, OMIM 603903.
Heinz body anemia. Also called: Heinz body hemolytic anemia. Identifiers: Orphanet 178330, MedGen C0700299, MONDO:0007705, OMIM 140700, HP:0005511.
Dominant beta-thalassemia. Also called: Beta-thalassemia, dominant inclusion body type. Identifiers: Orphanet 231226, Orphanet 848, MedGen C1858990, MONDO:0011381, OMIM 603902.
Beta-thalassemia HBB/LCRB. Identifiers: MedGen CN322236, MONDO:0013517, OMIM 613985.
Erythrocytosis, familial, 6. Also called: POLYCYTHEMIA, BETA-GLOBIN TYPE; ERYTHROCYTOSIS, BETA-GLOBIN TYPE. Identifiers: MedGen C4693822, MONDO:0054801, OMIM 617980.
METHEMOGLOBINEMIA, BETA TYPE. Also called: Methemoglobinemia, beta-globin type. Identifiers: MedGen C1840779, OMIM 617971.
Malaria, susceptibility to. Identifiers: Orphanet 673, MedGen C1970028, MONDO:0021024, OMIM 611162.
Hereditary persistence of fetal hemoglobin. Identifiers: MedGen C0019025, MONDO:0020989, OMIM 141749.
BETA-PLUS-THALASSEMIA. Identifiers: MedGen C3841475.
beta Thalassemia (BTHAL). Also called: Cooley's anemia; Erythroblastic anemia; Mediterranean anemia. Identifiers: Orphanet 848, MedGen C0005283, MONDO:0019402. Disease mechanism: loss of function.

Submissions (12):

ClinGen Hemoglobinopathy Variant Curation Expert Panel, ClinGen
Classification: Pathogenic for Beta-thalassemia HBB/LCRB. Last evaluated: 2026-04-07. Review status: reviewed by expert panel. Criteria: ClinGen Hb Opathy ACMG Specifications HBB V1.0.0. Collection method: curation. Allele origin: germline. Inheritance: Autosomal recessive inheritance.
Comment: This variant (NM_000518.5: HBB:c.-78A>C) resides in a region, c.-80 to c.-76 (TATAA box), of HBB that is defined as a mutational hotspot and critical functional domain by the ClinGen Hemoglobinopathy VCEP [PM1]. It has been detected in three individuals with beta thalassemia major. These individuals are compound heterozygous for the variant (c.-78A>C) and a pathogenic variant (c.118C>T; c.36del and c.92+1G>A), confirmed in trans by family testing; total PM3 score is 3 [PM3_S; PMID 19960060; 8619407; Molecular Genetics Laboratory, Hamilton Regional Laboratory Medicine Program, Hamilton Health Sciences; ClinVar IDs: 15402; 15423 and 15436]. It has also been reported in 13 unrelated individuals with low MCV (67-77.8 fl), low MCH (20.5-25.9 pg) and increased HbA2 (4.6-6.3%), and in 2 unrelated individuals with just low MCV (58.1 and 70 fl) and low MCH (18.2 and 23.3 pg); total score is 16.3 [PS4_VS; PMID 19960060; 8619407; Molecular Genetics Laboratory, Hamilton Regional Laboratory Medicine Program, Hamilton Health Sciences; Department of Medical Genetics, National and Kapodistrian University of Athens; BGI Genomics]. In vitro transcriptional assay and transient expression assay showed 2- to 3-fold decrease in beta globin transcription indicating that this variant impacts protein function [PS3_P; PMID: 2987224]. Kinetic studies showed reduced association rate constant and increase dissociation constant of the TATA binding protein (TBP)/TATA box complex, also indicating that this variant impacts protein function (PMID: 24616209). The computational predictor CADD PHRED score 19.52 (above threshold >12) indicates that this variant impacts HBB function [PP3]. The minor allele frequency in gnomAD v4.1 is 0.000002948 (3/1017550) alleles, which is lower than the ClinGen Hemoglobinopathy VCEP threshold <0.0001 for PM2_Supporting, and therefore meets this criterion [PM2_P]. Another single nucleotide variant c.-78A>G (ClinVar ID: 15471) in the same base position is considered to have valid evidence for pathogenicity by the VCEP (PMID: 36453528) and has been classified as pathogenic for beta thalassemia with a 2-star review status by ClinVar [PM5]. In summary, this variant meets the criteria to be classified as pathogenic for beta thalassemia (MONDO:0013517) in an autosomal recessive manner based on the ACMG/AMP criteria applied, as specified by the ClinGen Hemoglobinopathy VCEP (specification version 1.0.0): PS4_VS, PM3_S, PM5, PM1, PM2_P, PS3_P, PP3.

Natera, Inc.
Classification: Pathogenic for Beta thalassemia. Last evaluated: 2025-10-10. Review status: criteria provided, single submitter. Criteria: Natera Variant Classification Schema (03/2026). Collection method: clinical testing. Allele origin: germline. Not counted in ClinVar's aggregate classification.
Comment: The c.-78A>C variant in HBB is a 5' untranslated region (UTR) variant located upstream of the translation start codon. This variant is rare in the general population with a frequency below the threshold expected for the associated phenotype(s). This variant has been observed in one or more individuals affected with the associated recessive disease, as either homozygous or compound heterozygous with a second variant (PMID: 17994378, 20113296). Given the available evidence, this variant is classified as Pathogenic.

ARUP Laboratories, Molecular Genetics and Genomics, ARUP Laboratories
Classification: Pathogenic. Last evaluated: 2025-07-21. Review status: criteria provided, single submitter. Criteria: ARUP Molecular Germline Variant Investigation Process 2024. Collection method: clinical testing. Allele origin: germline. Not counted in ClinVar's aggregate classification.
Comment: The HBB c.-78A>C variant (rs33931746, HbVar ID: 768), also known as -28 (A>C), is reported in the literature in individuals affected with beta (+) thalassemia (Agouti 2008, Gamarra 2009, Perea 1996, Poncz 1982, HbVar database) or in heterozygous carriers with microcytic anemia (Gamarra 2009, Perea 1996). In several individuals with beta thalassemia major, this variant was observed in trans to a beta-0 pathogenic variant (Gamarra 2009, Perea 1996). The c.-78A>C variant is located in the TATA box of the HBB gene (Poncz 1982), and functional analyses in transfected HeLa cells suggest it leads to a 2- to 3-fold decrease in beta globin transcription (Surrey 1985). Another variant at this position, c.-78A>G, is a common beta+ pathogenic variant that leads to a 3- to 5-fold reduction in HBB transcripts (Orkin 1983, Yamsri 2011). The c.-78A>C variant is absent from the Genome Aggregation Database, indicating it is not a common polymorphism. Based on available information, this variant is considered to be pathogenic. References: Link to HbVar database: Agouti I et al. Molecular basis of beta-thalassemia in Morocco: possible origins of the molecular heterogeneity. Genet Test. 2008 Dec;12(4):563-8. PMID: 18976160. Gamarra S et al. beta-Thalassaemia Major in a Spanish Patient due to a Compound Heterozygosity for CD39 C > T/-28 A > C. Adv Hematol. 2009;2009:476342. PMID: 19960060. Orkin SH et al. ATA box transcription mutation in beta-thalassemia. Nucleic Acids Res. 1983; 11(14):4727-34. PMID: 6308558. Perea FJ et al. Haplotype analysis of the Mexican frameshift Cd 11 (-T) and -28 A->C beta-thalassemia alleles. Am J Hematol. 1996 Mar;51(3):240-2. PMID: 8619407. Poncz M et al. beta-Thalassemia in a Kurdish Jew. Single base changes in the T-A-T-A box. J Biol Chem. 1982 Jun 10;257(11):5994-6. PMID: 7076659. Surrey S et al. Functional analysis of a beta-globin gene containing a TATA box mutation from a Kurdish Jew with beta thalassemia. J Biol Chem. 1985 Jun 10;260(11):6507-10. PMID: 2987224. Yamsri S et al. Genotype and phenotype characterizations in a large cohort of beta-thalassemia heterozygote with different forms of alpha-thalassemia in northeast Thailand. Blood Cells Mol Dis. 2011; 47(2):120-4. PMID: 21664157.

First Genomix Gene Laboratory, Genetic Diagnostics Department
Classification: Pathogenic for Beta-thalassemia HBB/LCRB. Last evaluated: 2025-03-26. Review status: criteria provided, single submitter. Criteria: ACMG Guidelines, 2015. Collection method: clinical testing. Allele origin: germline. Inheritance: Autosomal recessive inheritance. Affected: no. Observed: 1 variant allele. Not counted in ClinVar's aggregate classification.

Fulgent Genetics
Classification: Pathogenic for Heinz body anemia; Hereditary persistence of fetal hemoglobin; Dominant beta-thalassemia; Hb SS disease; Malaria, susceptibility to; Beta-thalassemia HBB/LCRB; METHEMOGLOBINEMIA, BETA TYPE; Erythrocytosis, familial, 6. Last evaluated: 2024-05-02. Review status: criteria provided, single submitter. Criteria: ACMG Guidelines, 2015. Collection method: clinical testing. Allele origin: germline. Not counted in ClinVar's aggregate classification.

Labcorp Genetics (formerly Invitae), Labcorp
Classification: Pathogenic. Last evaluated: 2024-02-16. Review status: criteria provided, single submitter. Criteria: Invitae Variant Classification Sherloc (09022015). Collection method: clinical testing. Allele origin: germline. Not counted in ClinVar's aggregate classification.
Comment: This variant occurs in a non-coding region of the HBB gene. It does not change the encoded amino acid sequence of the HBB protein. This variant is not present in population databases (gnomAD no frequency). This variant has been observed in individual(s) with autosomal recessive HBB-related disease (PMID: 2200760, 8619407, 16103715, 17994378, 19960060). In at least one individual the data is consistent with being in trans (on the opposite chromosome) from a pathogenic variant. This variant is also known as -28 A>C. ClinVar contains an entry for this variant (Variation ID: 15470). Studies have shown that this variant alters HBB gene expression (PMID: 2987224, 24616209). For these reasons, this variant has been classified as Pathogenic.

Quest Diagnostics Nichols Institute San Juan Capistrano
Classification: Pathogenic. Last evaluated: 2017-04-20. Review status: criteria provided, single submitter. Criteria: Quest Diagnostics criteria. Collection method: clinical testing. Allele origin: germline. Not counted in ClinVar's aggregate classification.

Women's Health and Genetics/Laboratory Corporation of America, LabCorp
Classification: Pathogenic for beta Thalassemia. Last evaluated: 2017-03-10. Review status: criteria provided, single submitter. Criteria: LabCorp Variant Classification Summary - May 2015. Collection method: clinical testing. Allele origin: germline. Not counted in ClinVar's aggregate classification.
Comment: Variant summary: The HBB c.-78A>C variant involves the alteration of a non-conserved nucleotide in the promoter region (transcriptional TATA box). One in silico tool predicts a damaging outcome for this variant. The variant of interest was observed in controls with an allele frequency of 0.0000322 (1/31018), which does not exceed the estimated maximal expected allele frequency of a pathogenic HBB variant (0.0111803). This variant has been reported in multiple BTHAL-ITMD cases both as homozygotes and compound heterozygotes. In addition, multiple reputable databases classified this variant as pathogenic. Furthermore, another variant at this location, c.-78A>G has been reported and classified by LCA as "pathogenic," supporting the importance of this region/location for proper function. Therefore, taking all available lines of evidence into consideration, the variant of interest has been classified as "Pathogenic."

Baylor Genetics
Classification: Pathogenic for Hb SS disease. Review status: criteria provided, single submitter. Criteria: ACMG Guidelines, 2015. Collection method: clinical testing. Allele origin: germline. Not counted in ClinVar's aggregate classification.

The ITHANET community portal, The Cyprus Institute of Neurology and Genetics
Classification: Pathogenic for beta Thalassemia. Last evaluated: 2019-11-25. Review status: no assertion criteria provided. Collection method: curation. Allele origin: germline. Not counted in ClinVar's aggregate classification.

Counsyl
Classification: Pathogenic for Beta-thalassemia HBB/LCRB. Last evaluated: 2017-03-27. Review status: no assertion criteria provided. Collection method: clinical testing. Allele origin: unknown. Not counted in ClinVar's aggregate classification.

OMIM
Classification: Pathogenic for BETA-PLUS-THALASSEMIA. Last evaluated: 1982-06-10. Review status: no assertion criteria provided. Collection method: literature only. Allele origin: germline. Not counted in ClinVar's aggregate classification.

Literature cited by the submitters: PubMed 17994378 (cited by 3 submitters); PubMed 20113296 (cited by Natera, Inc.); PubMed 2200760 (cited by Labcorp Genetics (formerly Invitae), Labcorp and Women's Health and Genetics/Laboratory Corporation of America, LabCorp); PubMed 8619407 (cited by Labcorp Genetics (formerly Invitae), Labcorp and Women's Health and Genetics/Laboratory Corporation of America, LabCorp); PubMed 16103715 (cited by Labcorp Genetics (formerly Invitae), Labcorp and Counsyl); PubMed 19960060 (cited by Labcorp Genetics (formerly Invitae), Labcorp and Counsyl); PubMed 2987224 (cited by Labcorp Genetics (formerly Invitae), Labcorp and Counsyl); PubMed 24616209 (cited by Labcorp Genetics (formerly Invitae), Labcorp and Counsyl); PubMed 28385923 (cited by Quest Diagnostics Nichols Institute San Juan Capistrano); PubMed 7076659 (cited by 5 submitters); PubMed 18976160 (cited by Women's Health and Genetics/Laboratory Corporation of America, LabCorp); PubMed 14734204 (cited by Women's Health and Genetics/Laboratory Corporation of America, LabCorp).